The following is an entry in ClinVar:

ClinVar aggregate classification (germline): Pathogenic. Review status: criteria provided, multiple submitters, no conflicts (2 of 4 stars). 3 submissions from 3 submitters: Pathogenic (2). 1 of the submissions does not count toward it. Last evaluated 2017-07-28.

Conditions:
Inborn genetic diseases. Identifiers: MedGen C0950123, MeSH D030342.
KBG syndrome (KBGS). Also called: ANKRD11-Related KBG Syndrome. Identifiers: Orphanet 2332, MedGen C0220687, MONDO:0007846, OMIM 148050.

Submissions (3):

Genome Diagnostics Laboratory, University Medical Center Utrecht
Classification: Pathogenic for KBG syndrome. Last evaluated: 2017-07-28. Review status: criteria provided, single submitter. Criteria: ACGS Guidelines, 2013. Collection method: clinical testing. Allele origin: germline. Affected: yes. Study: VKGL Data-share Consensus.

Ambry Genetics
Classification: Pathogenic for Inborn genetic diseases. Last evaluated: 2017-01-03. Review status: criteria provided, single submitter. Criteria: Ambry exome assertion method (8-5-2015). Collection method: clinical testing. Allele origin: germline. Affected: yes. Observed: 1 variant allele.

Genome Diagnostics Laboratory, Amsterdam University Medical Center
Classification: Pathogenic for KBG syndrome. Last evaluated: 2015-02-26. Review status: no assertion criteria provided. Criteria: ACGS Guidelines, 2013. Collection method: clinical testing. Allele origin: germline. Affected: yes. Study: VKGL Data-share Consensus. Not counted in ClinVar's aggregate classification.

NM_013275.6(ANKRD11):c.6847C>T (p.Gln2283Ter)

Gene: ANKRD11 (ankyrin repeat domain 11; minus strand). Cytogenetic location: 16q24.3.
Variant type: single nucleotide variant.
Coding change: c.6847C>T on transcript NM_013275.6 (MANE Select); coding-DNA position 6847, C replaced by T.
Protein change: p.Gln2283Ter; replaces glutamine 2283 with a stop codon.
Molecular consequence: nonsense.
Genome position (GRCh38, 1-based): chr16:89,279,695, G>A on the plus strand (C>T on the coding strand, the complement: ANKRD11 is on the minus strand). VCF-style: chr16-89279695-G-A. GRCh37 (hg19) VCF-style: chr16-89346103-G-A.
Other names: c.6847C>T, p.Gln2283Ter (NM_001256182.2, NM_001256183.2); short protein forms Q2283*.
Identifiers: ClinVar variation 441154 (VCV000441154.6), dbSNP rs1221781038, ClinGen allele CA397149854.